The following is an entry in ClinVar:

ClinVar aggregate classification (germline): Conflicting classifications of pathogenicity. Review status: criteria provided, conflicting classifications (1 of 4 stars). 7 submissions from 7 submitters: Pathogenic (3); Likely pathogenic (1); Uncertain significance (2). 1 of the submissions does not count toward it. Last evaluated 2025-10-28.

Conditions:
Usher syndrome type 1D (USH1D). Also called: USHER SYNDROME, TYPE ID. Identifiers: Orphanet 231169, Orphanet 886, MedGen C1832845, MONDO:0010984, OMIM 601067.
Usher syndrome type 1F (USH1F). Also called: USHER SYNDROME, TYPE IF. Identifiers: Orphanet 231169, Orphanet 886, MedGen C1865885, MONDO:0011186, OMIM 602083.
Autosomal recessive nonsyndromic hearing loss 23. Identifiers: Orphanet 90636, MedGen C1836027, MONDO:0012293, OMIM 609533.

Allele frequency attached by ClinVar (database versions not stated): TOPMed below 0.00001; ExAC 0.00001; gnomAD 0.00001; gnomAD exomes below 0.00001.
gnomAD v4.1: 12 of 1,611,636 alleles (0.00074%); highest among the groups gnomAD compares: Non-Finnish European, 0.00093%; no homozygotes.

Submissions (7):

Myriad Genetics, Inc.
Classification: Uncertain significance for Usher syndrome type 1F. Last evaluated: 2025-10-28. Review status: criteria provided, single submitter. Criteria: Myriad Autosomal Dominant, Autosomal Recessive and X-Linked Classification Criteria (2023). Collection method: clinical testing. Allele origin: unknown.
Comment: NM_033056.3(PCDH15):c.1583T>A(V528D) is a missense variant classified as a variant of uncertain significance in the context of PCDH15-related disorders. V528D has been observed in a case with relevant disease (PMID: 19107147). Relevant functional assessments of this variant are available in the literature (PMID: 39298473). V528D has been observed in referenced population frequency databases. In summary, there is insufficient evidence to classify NM_033056.3(PCDH15):c.1583T>A(V528D) as pathogenic or benign. Please note: this variant was assessed in the context of healthy population screening.

Fulgent Genetics
Classification: Pathogenic for Usher syndrome type 1D; Usher syndrome type 1F; Autosomal recessive nonsyndromic hearing loss 23. Last evaluated: 2024-03-13. Review status: criteria provided, single submitter. Criteria: ACMG Guidelines, 2015. Collection method: clinical testing. Allele origin: germline.

Women's Health and Genetics/Laboratory Corporation of America, LabCorp
Classification: Pathogenic for Usher syndrome type 1F. Last evaluated: 2024-03-11. Review status: criteria provided, single submitter. Criteria: LabCorp Variant Classification Summary - May 2015. Collection method: clinical testing. Allele origin: germline.
Comment: Variant summary: PCDH15 c.1583T>A (p.Val528Asp) results in a non-conservative amino acid change in the encoded protein sequence. Five of five in-silico tools predict a damaging effect of the variant on protein function. The variant allele was found at a frequency of 4e-06 in 251312 control chromosomes (gnomAD). c.1583T>A has been reported in the literature in multiple homozygous individuals affected with non-syndromic deafness (Doucette_2009). These data indicate that the variant is very likely to be associated with disease. The following publication has been ascertained in the context of this evaluation (PMID: 19107147). ClinVar contains an entry for this variant (Variation ID: 18429). Based on the evidence outlined above, the variant was classified as pathogenic.

Labcorp Genetics (formerly Invitae), Labcorp
Classification: Pathogenic. Last evaluated: 2023-02-08. Review status: criteria provided, single submitter. Criteria: Invitae Variant Classification Sherloc (09022015). Collection method: clinical testing. Allele origin: germline.
Comment: This missense change has been observed in individual(s) with nonsyndromic deafness (PMID: 19107147). It has also been observed to segregate with disease in related individuals. This variant is present in population databases (rs267606932, gnomAD 0.0009%). This sequence change replaces valine, which is neutral and non-polar, with aspartic acid, which is acidic and polar, at codon 528 of the PCDH15 protein (p.Val528Asp). ClinVar contains an entry for this variant (Variation ID: 18429). For these reasons, this variant has been classified as Pathogenic. Advanced modeling of protein sequence and biophysical properties (such as structural, functional, and spatial information, amino acid conservation, physicochemical variation, residue mobility, and thermodynamic stability) performed at Invitae indicates that this missense variant is expected to disrupt PCDH15 protein function.

Broad Center for Mendelian Genomics, Broad Institute of MIT and Harvard
Classification: Likely pathogenic for Usher syndrome type 1F. Last evaluated: 2023-01-24. Review status: criteria provided, single submitter. Criteria: ACMG Guidelines, 2015. Collection method: curation. Allele origin: germline. Inheritance: Autosomal recessive inheritance.
Comment: The p.Val528Asp variant in PCDH15 has been reported in 1 individual, in the homozygous state, with Usher syndrome type 1F (PMID: 19107147), segregated with disease in at least 3 affected relatives from 1 family (PMID: 19107147), and has been identified in 0.0009% (1/113622) of European (non-Finnish) chromosomes by the Genome Aggregation Database (gnomAD; dbSNP ID: rs267606932). Although this variant has been seen in the general population in a heterozygous state, its frequency is low enough to be consistent with a recessive carrier frequency. This variant has also been reported in ClinVar (Variation ID#: 18429) and has been interpreted as pathogenic by Invitae and OMIM. Computational prediction tools and conservation analyses suggest that this variant may impact the protein, though this information is not predictive enough to determine pathogenicity. In summary, although additional studies are required to fully establish its clinical significance, this variant is likely pathogenic for autosomal recessive Usher syndrome type 1F. ACMG/AMP Criteria applied: PP1_moderate, PP3, PM2, PM3_supporting (Richards 2015).

Blueprint Genetics
Classification: Uncertain significance. Last evaluated: 2022-06-23. Review status: criteria provided, single submitter. Criteria: ACMG Guidelines, 2015. Collection method: clinical testing. Allele origin: germline.

OMIM
Classification: Pathogenic for DEAFNESS, AUTOSOMAL RECESSIVE 23. Last evaluated: 2009-05-01. Review status: no assertion criteria provided. Collection method: literature only. Allele origin: germline. Not counted in ClinVar's aggregate classification.

Literature cited by the submitters: PubMed 19107147 (cited by 4 submitters); PubMed 39298473 (cited by Myriad Genetics, Inc.).

NM_001384140.1(PCDH15):c.1583T>A (p.Val528Asp)

Gene: PCDH15 (protocadherin related 15; minus strand). Cytogenetic location: 10q21.1.
Variant type: single nucleotide variant.
Coding change: c.1583T>A on transcript NM_001384140.1 (MANE Select); coding-DNA position 1583, T replaced by A.
Protein change: p.Val528Asp; replaces valine 528 with aspartic acid.
Molecular consequence: missense variant.
Genome position (GRCh38, 1-based): chr10:54,183,451, A>T on the plus strand (T>A on the coding strand, the complement: PCDH15 is on the minus strand). VCF-style: chr10-54183451-A-T. GRCh37 (hg19) VCF-style: chr10-55943211-A-T.
Other names: NM_001384140.1(PCDH15):c.1583T>A; p.Val528Asp; c.1598T>A, p.Val533Asp (NM_001142763.2, NM_001142771.2); c.1583T>A, p.Val528Asp (NM_001142764.2, NM_001142765.2, NM_001142766.2 and 6 more transcripts); c.1472T>A, p.Val491Asp (NM_001142767.2); c.1517T>A, p.Val506Asp (NM_001142768.2, NM_001142773.2, NM_001354404.2); c.1619T>A, p.Val540Asp (NM_001142769.4); c.1604T>A, p.Val535Asp (NM_001354411.2); and 1 more; short protein forms V528D, V491D, V535D, V506D, V533D, V540D.
Identifiers: ClinVar variation 18429 (VCV000018429.13), dbSNP rs267606932, ClinGen allele CA253349.